The following is an entry in ClinVar:

NM_005188.4(CBL):c.1365TGA[8] (p.Asp460_Glu461insAspAsp)

Gene: CBL (Cbl proto-oncogene; plus strand). Cytogenetic location: 11q23.3.
Variant type: Microsatellite.
Coding change: c.1365TGA[8] on transcript NM_005188.4 (MANE Select); eight copies in a row of the 3-base unit TGA starting at c.1365; the reference has six copies in a row; two copies, 6 bases duplicated.
Protein change: p.Asp460_Glu461insAspAsp.
Molecular consequence: inframe insertion.
Genome position (GRCh38, 1-based): chr11:119,278,659-119,278,664, TGATGA duplicated; duplicating any 6 consecutive bases within chr11:119,278,646-119,278,664 gives the same sequence; the position shown is the placement nearest the transcript's 3' end. VCF-style (leftmost placement, unchanged base first): chr11-119278645-T-TATGATG. GRCh37 (hg19) VCF-style: chr11-119149355-T-TATGATG.
Identifiers: ClinVar variation 4749461 (VCV004749461.1).

ClinVar aggregate classification (germline): Uncertain significance (1 of 4 stars; one submission).

Conditions:
RASopathy. Also called: rasopathies; Noonan spectrum disorder. Identifiers: Orphanet 536391, MedGen C5555857, MONDO:0021060.

Submission:

Labcorp Genetics (formerly Invitae), Labcorp
Classification: Uncertain significance for RASopathy. Last evaluated: 2025-10-17. Review status: criteria provided, single submitter. Criteria: Invitae Variant Classification Sherloc (09022015). Collection method: clinical testing. Allele origin: germline.
Comment: This variant, c.1377_1382dup, results in the insertion of 2 amino acid(s) of the CBL protein (p.Asp459_Asp460dup), but otherwise preserves the integrity of the reading frame. This variant is not present in population databases (gnomAD no frequency). This variant has not been reported in the literature in individuals affected with CBL-related conditions. In summary, the available evidence is currently insufficient to determine the role of this variant in disease. Therefore, it has been classified as a Variant of Uncertain Significance.